The following is an entry in ClinVar:

NM_001142800.2(EYS):c.864del (p.Pro289fs)

Gene: EYS (EGF-like photoreceptor maintenance factor; minus strand). Cytogenetic location: 6q12.
Variant type: Deletion.
Coding change: c.864del on transcript NM_001142800.2 (MANE Select); coding-DNA position 864, one base deleted (T; older notation c.864delT).
Protein change: p.Pro289fs; shifts the reading frame from proline 289.
Molecular consequence: frameshift variant.
Genome position (GRCh38, 1-based): chr6:65,405,366, A deleted on the plus strand (T on the coding strand, the reverse complement: EYS is on the minus strand). VCF-style (leftmost placement, unchanged base first): chr6-65405365-GA-G. GRCh37 (hg19) VCF-style: chr6-66115258-GA-G.
Other names: c.864del, p.Pro289fs (NM_001142801.2, NM_001292009.2, NM_198283.2); short protein forms P289fs.
Identifiers: ClinVar variation 4814664 (VCV004814664.1).
Genomic context (GRCh38, chr6:65,405,365, plus strand): 5'-AAATTCCTCTTTTCCAAAAAAGCAGAGAAACACAAGGTTTTGCTGACACCTCACAGAATG[GA>G]CCTTAAAAAAATCACACACAAGAAAAAAAAAGAAAAGGAAGGAAGGAAAGAAGAAATGAG-3'

ClinVar aggregate classification (germline): Likely pathogenic (1 of 4 stars; one submission).

Conditions:
Retinitis pigmentosa 25 (RP25). Identifiers: Orphanet 791, MedGen C1864446, MONDO:0011272, OMIM 602772.

Submission:

Natera, Inc.
Classification: Likely pathogenic for Retinitis pigmentosa type 25. Last evaluated: 2024-10-25. Review status: criteria provided, single submitter. Criteria: Natera Variant Classification Schema (03/2026). Collection method: clinical testing. Allele origin: germline.
Comment: The c.864delT variant in EYS is a frameshift variant predicted to shift the reading frame beginning at codon 289 and leads to a stop codon 50 codons downstream. This variant is expected to result in nonsense mediated decay, truncation, or a dysfunctional protein product. This variant is rare in the general population with a frequency below the threshold expected for the associated phenotype(s). Given the available evidence, this variant is classified as Likely Pathogenic.